The following is an entry in ClinVar:

ClinVar aggregate classification (germline): Uncertain significance. Review status: criteria provided, multiple submitters, no conflicts (2 of 4 stars). 2 submissions from 2 submitters: Uncertain significance (2). Last evaluated 2022-07-05.

Conditions:
Nemaline myopathy 2 (NEM2). Also called: Nemaline myopathy 2, autosomal recessive. Identifiers: MedGen C1850569, MONDO:0009725, OMIM 256030.

Allele frequency attached by ClinVar (database versions not stated): ExAC 0.00005.
gnomAD v4.1: 26 of 1,522,930 alleles (0.0017%); highest among the groups gnomAD compares: Admixed American, 0.002%; no homozygotes.

Submissions (2):

Labcorp Genetics (formerly Invitae), Labcorp
Classification: Uncertain significance for Nemaline myopathy 2. Last evaluated: 2022-07-05. Review status: criteria provided, single submitter. Criteria: Invitae Variant Classification Sherloc (09022015). Collection method: clinical testing. Allele origin: germline.
Comment: This sequence change replaces arginine, which is basic and polar, with histidine, which is basic and polar, at codon 2964 of the NEB protein (p.Arg2964His). This variant is present in population databases (rs772143732, gnomAD 0.007%). This variant has not been reported in the literature in individuals affected with NEB-related conditions. Algorithms developed to predict the effect of missense changes on protein structure and function are either unavailable or do not agree on the potential impact of this missense change (SIFT: "Deleterious"; PolyPhen-2: "Not Available"; Align-GVGD: "Class C0"). In summary, the available evidence is currently insufficient to determine the role of this variant in disease. Therefore, it has been classified as a Variant of Uncertain Significance.

Revvity Omics, Revvity
Classification: Uncertain significance. Last evaluated: 2020-02-20. Review status: criteria provided, single submitter. Criteria: ACMG Guidelines, 2015. Collection method: clinical testing. Allele origin: germline.

NM_001164508.2(NEB):c.8891G>A (p.Arg2964His)

Gene: NEB (nebulin; minus strand). Cytogenetic location: 2q23.3.
Variant type: single nucleotide variant.
Coding change: c.8891G>A on transcript NM_001164508.2 (MANE Select); coding-DNA position 8891, G replaced by A.
Protein change: p.Arg2964His; replaces arginine 2964 with histidine.
Molecular consequence: missense variant. On other transcripts: intron variant (1).
Genome position (GRCh38, 1-based): chr2:151,639,383, C>T on the plus strand (G>A on the coding strand, the complement: NEB is on the minus strand). VCF-style: chr2-151639383-C-T. GRCh37 (hg19) VCF-style: chr2-152495897-C-T.
Other names: c.8891G>A, p.Arg2964His (NM_001164507.2, NM_001271208.2); c.8853+510G>A (NM_004543.5); short protein forms R2964H.
Identifiers: ClinVar variation 2105677 (VCV002105677.4), dbSNP rs772143732, ClinGen allele CA1909464.
Genomic context (GRCh38, chr2:151,639,383, plus strand): 5'-GGTGTGTCTGGCATTATGTGGATCTGAGTCTTGTCTTTGTCCCAGGCTTCTGTGTATAAA[C>T]GCTATCAAAAAAAATACACAAATTCATCAGGAAAAAAGTTCTGTGTATAGTTAATAGGAA-3'
Protein context (NP_001157980.2, residues 2954-2974): AKNNAITMNK[Arg2964His]LYTEAWDKDK